The following is an entry in ClinVar:

NM_000350.3(ABCA4):c.5710C>T (p.Gln1904Ter)

Gene: ABCA4 (ATP binding cassette subfamily A member 4; minus strand). Cytogenetic location: 1p22.1.
Variant type: single nucleotide variant.
Coding change: c.5710C>T on transcript NM_000350.3 (MANE Select); coding-DNA position 5710, C replaced by T.
Protein change: p.Gln1904Ter; replaces glutamine 1904 with a stop codon.
Molecular consequence: nonsense.
Genome position (GRCh38, 1-based): chr1:94,010,804, G>A on the plus strand (C>T on the coding strand, the complement: ABCA4 is on the minus strand). VCF-style: chr1-94010804-G-A. GRCh37 (hg19) VCF-style: chr1-94476360-G-A.
Other names: c.5488C>T, p.Gln1830Ter (NM_001425324.1); short protein forms Q1904*, Q1830*.
Identifiers: ClinVar variation 1449513 (VCV001449513.7), dbSNP rs2101007411, ClinGen allele CA341280700.

ClinVar aggregate classification (germline): Pathogenic/Likely pathogenic. Review status: criteria provided, multiple submitters, no conflicts (2 of 4 stars). 2 submissions from 2 submitters: Pathogenic (1); Likely pathogenic (1). Last evaluated 2022-08-09.

Conditions:
ABCA4-related disorder. Also called: ABCA4-related disorders; ABCA4-related condition. Identifiers: MedGen CN239167.

Submissions (2):

Labcorp Genetics (formerly Invitae), Labcorp
Classification: Pathogenic. Last evaluated: 2022-08-09. Review status: criteria provided, single submitter. Criteria: Invitae Variant Classification Sherloc (09022015). Collection method: clinical testing. Allele origin: germline.
Comment: For these reasons, this variant has been classified as Pathogenic. ClinVar contains an entry for this variant (Variation ID: 1449513). This variant has not been reported in the literature in individuals affected with ABCA4-related conditions. This variant is not present in population databases (gnomAD no frequency). This sequence change creates a premature translational stop signal (p.Gln1904*) in the ABCA4 gene. It is expected to result in an absent or disrupted protein product. Loss-of-function variants in ABCA4 are known to be pathogenic (PMID: 10958761, 24938718, 25312043, 26780318).

Blueprint Genetics
Classification: Likely pathogenic for ABCA4-related disorders. Last evaluated: 2020-09-16. Review status: criteria provided, single submitter. Criteria: ACMG Guidelines, 2015. Collection method: clinical testing. Allele origin: germline. Affected: yes. Observed: 1 variant allele.

Literature cited by the submitters: PubMed 10958761 (cited by Labcorp Genetics (formerly Invitae), Labcorp); PubMed 24938718 (cited by Labcorp Genetics (formerly Invitae), Labcorp); PubMed 25312043 (cited by Labcorp Genetics (formerly Invitae), Labcorp); PubMed 26780318 (cited by Labcorp Genetics (formerly Invitae), Labcorp).